The following is an entry in ClinVar:

NM_006734.4(HIVEP2):c.5996A>G (p.Gln1999Arg)

Gene: HIVEP2 (HIVEP zinc finger 2; minus strand). Cytogenetic location: 6q24.2.
Variant type: single nucleotide variant.
Coding change: c.5996A>G on transcript NM_006734.4 (MANE Select); coding-DNA position 5996, A replaced by G.
Protein change: p.Gln1999Arg; replaces glutamine 1999 with arginine.
Molecular consequence: missense variant.
Genome position (GRCh38, 1-based): chr6:142,760,292, T>C on the plus strand (A>G on the coding strand, the complement: HIVEP2 is on the minus strand). VCF-style: chr6-142760292-T-C. GRCh37 (hg19) VCF-style: chr6-143081429-T-C.
Other names: short protein forms Q1999R.
Identifiers: ClinVar variation 3693268 (VCV003693268.2).

ClinVar aggregate classification (germline): Uncertain significance (1 of 4 stars; one submission).

gnomAD v4.1: 4 of 1,614,150 alleles (0.00025%); highest among the groups gnomAD compares: East Asian, 0.0089%; no homozygotes.

Submission:

Labcorp Genetics (formerly Invitae), Labcorp
Classification: Uncertain significance. Last evaluated: 2024-07-30. Review status: criteria provided, single submitter. Criteria: Invitae Variant Classification Sherloc (09022015). Collection method: clinical testing. Allele origin: germline.
Comment: This sequence change replaces glutamine, which is neutral and polar, with arginine, which is basic and polar, at codon 1999 of the HIVEP2 protein (p.Gln1999Arg). This variant is not present in population databases (gnomAD no frequency). This variant has not been reported in the literature in individuals affected with HIVEP2-related conditions. Advanced modeling of protein sequence and biophysical properties (such as structural, functional, and spatial information, amino acid conservation, physicochemical variation, residue mobility, and thermodynamic stability) has been performed at Invitae for this missense variant, however the output from this modeling did not meet the statistical confidence thresholds required to predict the impact of this variant on HIVEP2 protein function. In summary, the available evidence is currently insufficient to determine the role of this variant in disease. Therefore, it has been classified as a Variant of Uncertain Significance.